The following is an entry in ClinVar:

NM_006744.4(RBP4):c.517C>T (p.Arg173Trp)

Gene: RBP4 (retinol binding protein 4; minus strand). Cytogenetic location: 10q23.33.
Variant type: single nucleotide variant.
Coding change: c.517C>T on transcript NM_006744.4 (MANE Select); coding-DNA position 517, C replaced by T.
Protein change: p.Arg173Trp; replaces arginine 173 with tryptophan.
Molecular consequence: missense variant.
Genome position (GRCh38, 1-based): chr10:93,593,874, G>A on the plus strand (C>T on the coding strand, the complement: RBP4 is on the minus strand). VCF-style: chr10-93593874-G-A. GRCh37 (hg19) VCF-style: chr10-95353631-G-A.
Other names: c.517C>T (NM_006744.3); c.517C>T, p.Arg173Trp (NM_001323517.1); c.511C>T, p.Arg171Trp (NM_001323518.2); short protein forms R171W, R173W.
Identifiers: ClinVar variation 1026974 (VCV001026974.8), dbSNP rs139534453, ClinGen allele CA5609526.

ClinVar aggregate classification (germline): Uncertain significance. Review status: criteria provided, multiple submitters, no conflicts (2 of 4 stars). 3 submissions from 3 submitters: Uncertain significance (3). Last evaluated 2025-09-15.

Conditions:
Inborn genetic diseases. Identifiers: MedGen C0950123, MeSH D030342.

Allele frequency attached by ClinVar (database versions not stated): ExAC 0.00003; TOPMed 0.00006; ESP Exome Variant Server 0.00008; gnomAD exomes 0.00008.
gnomAD v4.1: 63 of 1,612,882 alleles (0.0039%); highest among the groups gnomAD compares: Admixed American, 0.023%; no homozygotes.

Submissions (3):

Labcorp Genetics (formerly Invitae), Labcorp
Classification: Uncertain significance. Last evaluated: 2025-09-15. Review status: criteria provided, single submitter. Criteria: Invitae Variant Classification Sherloc (09022015). Collection method: clinical testing. Allele origin: germline.
Comment: This sequence change replaces arginine, which is basic and polar, with tryptophan, which is neutral and slightly polar, at codon 173 of the RBP4 protein (p.Arg173Trp). This variant is present in population databases (rs139534453, gnomAD 0.02%). This variant has not been reported in the literature in individuals affected with RBP4-related conditions. ClinVar contains an entry for this variant (Variation ID: 1026974). An algorithm developed to predict the effect of missense changes on protein structure and function (PolyPhen-2) suggests that this variant is likely to be disruptive. In summary, the available evidence is currently insufficient to determine the role of this variant in disease. Therefore, it has been classified as a Variant of Uncertain Significance.

Ambry Genetics
Classification: Uncertain significance for Inborn genetic diseases. Last evaluated: 2025-08-26. Review status: criteria provided, single submitter. Criteria: Ambry Variant Classification Scheme 2023. Collection method: clinical testing. Allele origin: germline.

Blueprint Genetics
Classification: Uncertain significance. Last evaluated: 2023-05-18. Review status: criteria provided, single submitter. Criteria: ACMG Guidelines, 2015. Collection method: clinical testing. Allele origin: germline.